The following is an entry in ClinVar:

NM_182931.3(KMT2E):c.4147A>T (p.Thr1383Ser)

Gene: KMT2E (lysine methyltransferase 2E (inactive); plus strand). Cytogenetic location: 7q22.3.
Variant type: single nucleotide variant.
Coding change: c.4147A>T on transcript NM_182931.3 (MANE Select); coding-DNA position 4147, A replaced by T.
Protein change: p.Thr1383Ser; replaces threonine 1383 with serine.
Molecular consequence: missense variant.
Genome position (GRCh38, 1-based): chr7:105,111,903, A>T. VCF-style: chr7-105111903-A-T. GRCh37 (hg19) VCF-style: chr7-104752350-A-T.
Other names: c.4021A>T, p.Thr1341Ser (NM_001410908.1); c.4147A>T, p.Thr1383Ser (NM_018682.4); short protein forms T1341S, T1383S.
Identifiers: ClinVar variation 3660790 (VCV003660790.2).

ClinVar aggregate classification (germline): Uncertain significance (1 of 4 stars; one submission).

Submission:

Labcorp Genetics (formerly Invitae), Labcorp
Classification: Uncertain significance. Last evaluated: 2024-07-30. Review status: criteria provided, single submitter. Criteria: Invitae Variant Classification Sherloc (09022015). Collection method: clinical testing. Allele origin: germline.
Comment: This sequence change replaces threonine, which is neutral and polar, with serine, which is neutral and polar, at codon 1383 of the KMT2E protein (p.Thr1383Ser). This variant is not present in population databases (gnomAD no frequency). This variant has not been reported in the literature in individuals affected with KMT2E-related conditions. Advanced modeling of protein sequence and biophysical properties (such as structural, functional, and spatial information, amino acid conservation, physicochemical variation, residue mobility, and thermodynamic stability) performed at Invitae indicates that this missense variant is not expected to disrupt KMT2E protein function with a negative predictive value of 80%. In summary, the available evidence is currently insufficient to determine the role of this variant in disease. Therefore, it has been classified as a Variant of Uncertain Significance.